The following is an entry in ClinVar:

ClinVar aggregate classification (germline): Pathogenic/Likely pathogenic. Review status: criteria provided, multiple submitters, no conflicts (2 of 4 stars). 3 submissions from 3 submitters: Pathogenic (2); Likely pathogenic (1). Last evaluated 2025-09-17.

Conditions:
GBA-related disorder. Also called: GBA-related disorders.
Gaucher disease. Also called: Glucosylceramidase deficiency; Glucosyl cerebroside lipidosis; Kerasin lipoidosis; Kerasin thesaurismosis; Acute cerebral Gaucher disease; Cerebroside lipidosis syndrome. Identifiers: Orphanet 355, MedGen C0017205, MONDO:0018150.

Allele frequency attached by ClinVar (database versions not stated): gnomAD exomes below 0.00001 and 0.00001; ExAC 0.00001; TOPMed 0.00001; gnomAD 0.00002.
gnomAD v4.1: 9 of 1,613,832 alleles (0.00056%); highest among the groups gnomAD compares: East Asian, 0.0022%; no homozygotes.

Submissions (3):

Natera, Inc.
Classification: Likely pathogenic for Gaucher disease. Last evaluated: 2025-09-17. Review status: criteria provided, single submitter. Criteria: Natera Variant Classification Schema (03/2026). Collection method: clinical testing. Allele origin: germline.
Comment: The c.689T>G variant in GBA1 is a missense variant predicted to cause substitution of valine to glycine at amino acid 230. This variant is rare in the general population with a frequency below the threshold expected for the associated phenotype(s). This variant has been observed in one or more individuals affected with the associated recessive disease, as either homozygous or compound heterozygous with a second variant (PMID: 25356393, 22429443, 20729108). Given the available evidence, this variant is classified as Likely Pathogenic.

Women's Health and Genetics/Laboratory Corporation of America, LabCorp
Classification: Pathogenic for Gaucher disease. Last evaluated: 2024-03-28. Review status: criteria provided, single submitter. Criteria: LabCorp Variant Classification Summary - May 2015. Collection method: clinical testing. Allele origin: germline.
Comment: Variant summary: GBA1 c.689T>G (p.Val230Gly) results in a non-conservative amino acid change located in the TIM-barrel domain (IPR033453) of the encoded protein sequence. Three of five in-silico tools predict a damaging effect of the variant on protein function. The variant allele was found at a frequency of 5.6e-06 in 1606838 control chromosomes in the gnomAD database (v4.0 dataset), however the variant is located in a region that is known to be highly homologous to the GBA pseudogene, therefore these data might not be reliable. The variant, c.689T>G, has been reported in the literature in compound heterozygote individuals affected with Gaucher Disease (e.g. Choy_1997, Giraldo_2011, Narita_2014, Huang_2020, Kim_2020), and multiple publications noted that the diagnosis of Gaucher disease was confirmed biochemically, demonstrating <5% of normal glucocerebrosidase activity in patients samples (e.g. Choy 1997, Huang_2020). These data indicate that the variant is very likely to be associated with disease. The variant was also reported as a complex allele, together with several pathogenic variants in cis, in multiple compound heterozygous individuals affected with Gaucher Disease, and in heterozygotes affected with early onset Parkinson disease (e.g. Du_2018, Kang_2018, Olkhovych_2017 [NO_PMID], Sheth_2019, D Amore_2021, Ren_2023), where the complex alleles encompassing several variants are believed to be the result of recombination events with the highly homologous pseudogene (see e.g. Hruska_2008). The following publications have been ascertained in the context of this evaluation (PMID: 18338393, 10206680, 19433657, 34649574, 30461613, 32165122, 29934114, 33176831, 25356393, 30764785, 36845659, 22429443). ClinVar contains an entry for this variant (Variation ID: 928835). Based on the evidence outlined above, the variant was classified as pathogenic.

Blueprint Genetics
Classification: Pathogenic for GBA-related disorders. Last evaluated: 2023-03-24. Review status: criteria provided, single submitter. Criteria: ACMG Guidelines, 2015. Collection method: clinical testing. Allele origin: germline. Affected: yes. Observed: 5 variant alleles.

Literature cited by the submitters: PubMed 25356393 (cited by Natera, Inc. and Women's Health and Genetics/Laboratory Corporation of America, LabCorp); PubMed 22429443 (cited by Natera, Inc. and Women's Health and Genetics/Laboratory Corporation of America, LabCorp); PubMed 20729108 (cited by Natera, Inc.); PubMed 18338393 (cited by Women's Health and Genetics/Laboratory Corporation of America, LabCorp); PubMed 10206680 (cited by Women's Health and Genetics/Laboratory Corporation of America, LabCorp); PubMed 19433657 (cited by Women's Health and Genetics/Laboratory Corporation of America, LabCorp); PubMed 30461613 (cited by Women's Health and Genetics/Laboratory Corporation of America, LabCorp); PubMed 30764785 (cited by Women's Health and Genetics/Laboratory Corporation of America, LabCorp); PubMed 29934114 (cited by Women's Health and Genetics/Laboratory Corporation of America, LabCorp); PubMed 33176831 (cited by Women's Health and Genetics/Laboratory Corporation of America, LabCorp); PubMed 34649574 (cited by Women's Health and Genetics/Laboratory Corporation of America, LabCorp); PubMed 32165122 (cited by Women's Health and Genetics/Laboratory Corporation of America, LabCorp); PubMed 36845659 (cited by Women's Health and Genetics/Laboratory Corporation of America, LabCorp).

NM_000157.4(GBA1):c.689T>G (p.Val230Gly)

Genes: GBA1 (glucosylceramidase beta 1; minus strand), LOC106627981 (GBA recombination region; plus strand). Cytogenetic location: 1q22.
Variant type: single nucleotide variant.
Coding change: c.689T>G on transcript NM_000157.4 (MANE Select); coding-DNA position 689, T replaced by G.
Protein change: p.Val230Gly; replaces valine 230 with glycine.
Molecular consequence: missense variant.
Genome position (GRCh38, 1-based): chr1:155,238,206, A>C on the plus strand (T>G on the coding strand, the complement: GBA1 is on the minus strand). VCF-style: chr1-155238206-A-C. GRCh37 (hg19) VCF-style: chr1-155207997-A-C.
Other names: c.689T>G, p.Val230Gly (NM_001005741.3, NM_001005742.3); c.428T>G, p.Val143Gly (NM_001171811.2); c.542T>G, p.Val181Gly (NM_001171812.2); c.689T>G (NM_000157.3); short protein forms V143G, V181G, V230G.
Identifiers: ClinVar variation 928835 (VCV000928835.8), dbSNP rs381427, ClinGen allele CA1141704.
Genomic context (GRCh38, chr1:155,238,206, plus strand): 5'-CTGGCCCAGGTCTGGTGGTAGATGTCTCCGGGCTGTCCCTTGAGTGACCCCTTCCCATTC[A>C]CCGCTCCATTGGTCTTGAGCCAAGTGGGTGATGTCCAGGGGCTGGCAAGGAGTGAAACGG-3'
Protein context (NP_000148.2, residues 220-240): SPTWLKTNGA[Val230Gly]NGKGSLKGQP